The following is an entry in ClinVar:

ClinVar aggregate classification (germline): not provided (0 of 4 stars; one submission).

Conditions:
Gestational diabetes mellitus uncontrolled. Identifiers: MedGen C3532257.

Submission:

Institute of Molecular and Cell Biology, University of Tartu
No classification provided. Condition: Gestational diabetes mellitus uncontrolled. Review status: no classification provided. Collection method: case-control. Allele origin: unknown. Affected: yes. Study: Kasak2014.
Comment: The study aimed to determine the contribution of copy number variants in the genetic etiology of normal and complicated pregnancies. The samples represented (i) maternal blood DNA drawn from healthy pregnant women during 1st or 2nd trimester and (ii) maternal and paternal blood DNA drawn at term pregnancy cases representing normal and complicated gestations (severe preeclampsia, PE; gestational diabetes, GD; small-for-gestational age newborn, SGA; large-for-gestational age newborn, LGA). We performed CNV calling based on genome-wide genotyping dataset (Illumina HumanOmniExpress-24-v1 BeadChip) by applying three algorithms, QuantiSNP, GADA (Genome Alteration Detection Algorithm) and CNstream in parallel. The acquired CNV calls were merged with HD-CNV (Hotspot Detector for Copy Number Variants) program and only the CNVs predicted by at least two programs, were considered in subsequent analysis.

Literature cited by the submitters: PubMed 25666259.

Single allele

Genes: ARL17B (ARF like GTPase 17B; minus strand), KANSL1 (KAT8 regulatory NSL complex subunit 1), LRRC37A (leucine rich repeat containing 37A). Cytogenetic location: 17q21.31.
Variant type: Duplication.
Identifiers: ClinVar variation 157384 (VCV000157384.2).